The following is an entry in ClinVar:

ClinVar aggregate classification (germline): Uncertain significance (1 of 4 stars; one submission).

Conditions:
Epileptic encephalopathy. Identifiers: MedGen C0543888, HP:0200134.

Allele frequency attached by ClinVar (database versions not stated): ExAC 0.00001; gnomAD 0.00001; TOPMed 0.00001; gnomAD exomes 0.00003.
gnomAD v4.1: 37 of 1,604,610 alleles (0.0023%); highest among the groups gnomAD compares: Non-Finnish European, 0.0029%; no homozygotes.

Submission:

Labcorp Genetics (formerly Invitae), Labcorp
Classification: Uncertain significance for Epileptic encephalopathy. Last evaluated: 2024-12-30. Review status: criteria provided, single submitter. Criteria: Invitae Variant Classification Sherloc (09022015). Collection method: clinical testing. Allele origin: germline.
Comment: This sequence change replaces aspartic acid, which is acidic and polar, with asparagine, which is neutral and polar, at codon 809 of the FASN protein (p.Asp809Asn). This variant is present in population databases (rs766712508, gnomAD 0.006%). This variant has not been reported in the literature in individuals affected with FASN-related conditions. ClinVar contains an entry for this variant (Variation ID: 953781). An algorithm developed to predict the effect of missense changes on protein structure and function outputs the following: PolyPhen-2: "Benign". The asparagine amino acid residue is found in multiple mammalian species, which suggests that this missense change does not adversely affect protein function. In summary, the available evidence is currently insufficient to determine the role of this variant in disease. Therefore, it has been classified as a Variant of Uncertain Significance.

NM_004104.5(FASN):c.2425G>A (p.Asp809Asn)

Gene: FASN (fatty acid synthase; minus strand). Cytogenetic location: 17q25.3.
Variant type: single nucleotide variant.
Coding change: c.2425G>A on transcript NM_004104.5 (MANE Select); coding-DNA position 2425, G replaced by A.
Protein change: p.Asp809Asn; replaces aspartic acid 809 with asparagine.
Molecular consequence: missense variant.
Genome position (GRCh38, 1-based): chr17:82,088,558, C>T on the plus strand (G>A on the coding strand, the complement: FASN is on the minus strand). VCF-style: chr17-82088558-C-T. GRCh37 (hg19) VCF-style: chr17-80046434-C-T.
Other names: short protein forms D809N.
Identifiers: ClinVar variation 953781 (VCV000953781.9), dbSNP rs766712508, ClinGen allele CA8852777.